The following is an entry in ClinVar:

NM_005359.6(SMAD4):c.692del (p.Gly231fs)

Gene: SMAD4 (SMAD family member 4; plus strand). Cytogenetic location: 18q21.2.
Variant type: Deletion.
Coding change: c.692del on transcript NM_005359.6 (MANE Select); coding-DNA position 692, one base deleted (G; older notation c.692delG).
Protein change: p.Gly231fs; shifts the reading frame from glycine 231.
Molecular consequence: frameshift variant.
Genome position (GRCh38, 1-based): chr18:51,058,149, G deleted; the last of 6 consecutive G bases (chr18:51,058,144-51,058,149); deleting any one gives the same sequence. VCF-style (leftmost placement, unchanged base first): chr18-51058143-TG-T. GRCh37 (hg19) VCF-style: chr18-48584513-TG-T.
Other names: c.692delG, p.Gly231Alafs (NM_001407041.1, NM_001407042.1, NM_001407043.1); short protein forms G231fs.
Identifiers: ClinVar variation 1756201 (VCV001756201.4), dbSNP rs377767334, ClinGen allele CA503993807.
Genomic context (GRCh38, chr18:51,058,143, plus strand): 5'-CATCTATGAATGTACCATGTTAATGTCTTCTTGTTCCTCTAGGTCAGCCTGCCAGTATAC[TG>T]GGGGGCAGCCATAGTGAAGGACTGTTGCAGATAGCATCAGGGCCTCAGCCAGGACAGCAG-3'

ClinVar aggregate classification (germline): Pathogenic. Review status: criteria provided, multiple submitters, no conflicts (2 of 4 stars). 3 submissions from 3 submitters: Pathogenic (3). Last evaluated 2025-10-21.

Conditions:
Familial thoracic aortic aneurysm and aortic dissection (TAAD). Also called: Thoracic aortic aneurysms and dissections. Identifiers: Orphanet 91387, MedGen C4707243, MONDO:0019625.
Hereditary cancer-predisposing syndrome. Also called: Hereditary neoplastic syndrome; Neoplastic Syndromes, Hereditary; Tumor predisposition; Hereditary Cancer Syndrome. Identifiers: Orphanet 140162, MedGen C0027672, MeSH D009386, MONDO:0015356.
Juvenile polyposis syndrome (JPS). Identifiers: Orphanet 2929, MedGen C0345893, MONDO:0017380, OMIM 174900.
Juvenile polyposis/hereditary hemorrhagic telangiectasia syndrome (JPHT). Also called: JP/HHT SYNDROME; JUVENILE POLYPOSIS WITH HEREDITARY HEMORRHAGIC TELANGIECTASIA; POLYPOSIS, GENERALIZED JUVENILE, WITH PULMONARY ARTERIOVENOUS MALFORMATION; TELANGIECTASIA, HEREDITARY HEMORRHAGIC, WITH JUVENILE POLYPOSIS COLI; Juvenile Polyposis Syndrome / Hereditary Hemorrhagic Telangiectasia (JPS/HHT). Identifiers: Orphanet 2929, MedGen C1832942, MONDO:0008278, OMIM 175050.

Submissions (3):

3billion
Classification: Pathogenic for Juvenile polyposis syndrome. Last evaluated: 2025-10-21. Review status: criteria provided, single submitter. Criteria: ACMG Guidelines, 2015. Collection method: clinical testing. Allele origin: germline. Affected: yes.
Comment: The variant is not observed in the gnomAD v4.1.0 dataset. Predicted Consequence/Location: Frameshift: predicted to result in a loss or disruption of normal protein function through nonsense-mediated decay (NMD) or protein truncation. Multiple pathogenic variants are reported downstream of the variant. The variant has been reported at least twice as pathogenic without evidence for the classification (ClinVar ID: VCV001756201). Therefore, this variant is classified as Pathogenic according to the recommendation of ACMG/AMP guideline.

Myriad Genetics, Inc.
Classification: Pathogenic for Juvenile polyposis/hereditary hemorrhagic telangiectasia syndrome. Last evaluated: 2024-02-09. Review status: criteria provided, single submitter. Criteria: Myriad Autosomal Dominant, Autosomal Recessive and X-Linked Classification Criteria (2023). Collection method: clinical testing. Allele origin: unknown.
Comment: This variant is considered pathogenic. This variant creates a frameshift predicted to result in premature protein truncation.

Ambry Genetics
Classification: Pathogenic for Hereditary cancer-predisposing syndrome; Familial thoracic aortic aneurysm and aortic dissection. Last evaluated: 2020-11-11. Review status: criteria provided, single submitter. Criteria: Ambry Variant Classification Scheme 2023. Collection method: clinical testing. Allele origin: germline.
Comment: The c.692delG pathogenic mutation, located in coding exon 5 of the SMAD4 gene, results from a deletion of one nucleotide at nucleotide position 692, causing a translational frameshift with a predicted alternate stop codon (p.G231Afs*10). This alteration is expected to result in loss of function by premature protein truncation or nonsense-mediated mRNA decay. As such, this alteration is interpreted as a disease-causing mutation.